The following is an entry in ClinVar:

NM_001349253.2(SCN11A):c.3459G>T (p.Arg1153Ser)

Gene: SCN11A (sodium voltage-gated channel alpha subunit 11; minus strand). Cytogenetic location: 3p22.2.
Variant type: single nucleotide variant.
Coding change: c.3459G>T on transcript NM_001349253.2 (MANE Select); coding-DNA position 3459, G replaced by T.
Protein change: p.Arg1153Ser; replaces arginine 1153 with serine.
Molecular consequence: missense variant.
Genome position (GRCh38, 1-based): chr3:38,872,229, C>A on the plus strand (G>T on the coding strand, the complement: SCN11A is on the minus strand). VCF-style: chr3-38872229-C-A. GRCh37 (hg19) VCF-style: chr3-38913720-C-A.
Other names: c.3459G>T, p.Arg1153Ser (NM_014139.3); short protein forms R1153S.
Identifiers: ClinVar variation 2922044 (VCV002922044.3), dbSNP rs765228690, ClinGen allele CA352171319.
Genomic context (GRCh38, chr3:38,872,229, plus strand): 5'-TACCCATTCTTCTGCAGAATGTACCTTCATTCCTTCAAACTGGGACAGCGCACGAAGAGG[C>A]CTCAGTGCTCGTAGAGTCCGGAAGGACTTCAATTCCATTAAGTTAATGAGGGTGGTCACA-3'
Protein context (NP_001336182.1, residues 1143-1163): LKSFRTLRAL[Arg1153Ser]PLRALSQFEG

ClinVar aggregate classification (germline): Uncertain significance (1 of 4 stars; one submission).

Conditions:
Hereditary sensory and autonomic neuropathy type 7. Also called: Neuropathy, hereditary sensory and autonomic, type VII; HSAN VII. Identifiers: Orphanet 391397, MedGen C3809882, MONDO:0014244, OMIM 615548.
Familial episodic pain syndrome with predominantly lower limb involvement. Also called: Episodic pain syndrome, familial, 3. Identifiers: Orphanet 391384, Orphanet 391392, MedGen C3809899, MONDO:0014247, OMIM 615552.

Submission:

Labcorp Genetics (formerly Invitae), Labcorp
Classification: Uncertain significance for Familial episodic pain syndrome with predominantly lower limb involvement; Hereditary sensory and autonomic neuropathy type 7. Last evaluated: 2024-02-20. Review status: criteria provided, single submitter. Criteria: Invitae Variant Classification Sherloc (09022015). Collection method: clinical testing. Allele origin: germline.
Comment: This sequence change replaces arginine, which is basic and polar, with serine, which is neutral and polar, at codon 1153 of the SCN11A protein (p.Arg1153Ser). This variant is not present in population databases (gnomAD no frequency). This variant has not been reported in the literature in individuals affected with SCN11A-related conditions. Advanced modeling of protein sequence and biophysical properties (such as structural, functional, and spatial information, amino acid conservation, physicochemical variation, residue mobility, and thermodynamic stability) performed at Invitae indicates that this missense variant is expected to disrupt SCN11A protein function with a positive predictive value of 80%. In summary, the available evidence is currently insufficient to determine the role of this variant in disease. Therefore, it has been classified as a Variant of Uncertain Significance.